The following is an entry in ClinVar:

NM_153717.3(EVC):c.1304_1307dup (p.Phe436fs)

Gene: EVC (EvC ciliary complex subunit 1; plus strand). Cytogenetic location: 4p16.2.
Variant type: Duplication.
Coding change: c.1304_1307dup on transcript NM_153717.3 (MANE Select); coding-DNA positions 1304 to 1307, 4 bases duplicated (GCTT; older notation c.1304_1307dupGCTT).
Protein change: p.Phe436fs; shifts the reading frame from phenylalanine 436.
Molecular consequence: frameshift variant.
Genome position (GRCh38, 1-based): chr4:5,753,041-5,753,044, GCTT duplicated. VCF-style (leftmost placement, unchanged base first): chr4-5753040-C-CGCTT. GRCh37 (hg19) VCF-style: chr4-5754767-C-CGCTT.
Other names: c.1304_1307dup, p.Phe436fs (NM_001306090.2, NM_001306092.2); short protein forms F436fs.
Identifiers: ClinVar variation 1725589 (VCV001725589.2), dbSNP rs2475387716, ClinGen allele CA2580071066.

ClinVar aggregate classification (germline): Likely pathogenic (1 of 4 stars; one submission).

Conditions:
Ellis-van Creveld syndrome (EVC). Also called: EVC-Related Ellis-van Creveld Syndrome; EVC2-Related Ellis-van Creveld Syndrome; MESOECTODERMAL DYSPLASIA; Chondroectodermal dysplasia. Identifiers: Orphanet 289, MedGen C0013903, MONDO:0009162, OMIM 225500.

Submission:

Myriad Genetics, Inc.
Classification: Likely pathogenic for Ellis-van Creveld syndrome. Last evaluated: 2021-12-03. Review status: criteria provided, single submitter. Criteria: Myriad Women's Health Autosomal Recessive and X-Linked Classification Criteria (2021). Collection method: clinical testing. Allele origin: unknown.
Comment: NM_153717.2(EVC):c.1304_1307dupGCTT(F436Lfs*42) is expected to be pathogenic in the context of EVC-related Ellis-van Creveld syndrome. This variant is predicted to lead to an abnormal or absent protein product due to the creation of a premature termination codon in EVC, a gene where loss-of-function variants are known to be pathogenic. Please note: this variant was assessed in the context of healthy population screening.